The following is an entry in ClinVar:

NM_000260.4(MYO7A):c.2831A>T (p.Asp944Val)

Gene: MYO7A (myosin VIIA; plus strand). Cytogenetic location: 11q13.5.
Variant type: single nucleotide variant.
Coding change: c.2831A>T on transcript NM_000260.4 (MANE Select); coding-DNA position 2831, A replaced by T.
Protein change: p.Asp944Val; replaces aspartic acid 944 with valine.
Molecular consequence: missense variant.
Genome position (GRCh38, 1-based): chr11:77,181,516, A>T. VCF-style: chr11-77181516-A-T. GRCh37 (hg19) VCF-style: chr11-76892562-A-T.
Other names: c.2831A>T, p.Asp944Val (NM_001127180.2); c.2798A>T, p.Asp933Val (NM_001369365.1); c.2831A>T (NM_000260.3); short protein forms D944V, D933V.
Identifiers: ClinVar variation 1954441 (VCV001954441.6), dbSNP rs2497205038, ClinGen allele CA381943080.

ClinVar aggregate classification (germline): Uncertain significance. Review status: criteria provided, multiple submitters, no conflicts (2 of 4 stars). 2 submissions from 2 submitters: Uncertain significance (2). Last evaluated 2026-01-14.

Conditions:
Inborn genetic diseases. Identifiers: MedGen C0950123, MeSH D030342.

Allele frequency attached by ClinVar (database versions not stated): gnomAD exomes below 0.00001.
gnomAD v4.1: 1 of 1,613,556 alleles (0.000062%); highest among the groups gnomAD compares: Middle Eastern, 0.016%; no homozygotes.

Submissions (2):

Ambry Genetics
Classification: Uncertain significance for Inborn genetic diseases. Last evaluated: 2026-01-14. Review status: criteria provided, single submitter. Criteria: Ambry Variant Classification Scheme 2023. Collection method: clinical testing. Allele origin: germline.

Labcorp Genetics (formerly Invitae), Labcorp
Classification: Uncertain significance. Last evaluated: 2022-07-19. Review status: criteria provided, single submitter. Criteria: Invitae Variant Classification Sherloc (09022015). Collection method: clinical testing. Allele origin: germline.
Comment: In summary, the available evidence is currently insufficient to determine the role of this variant in disease. Therefore, it has been classified as a Variant of Uncertain Significance. Advanced modeling of protein sequence and biophysical properties (such as structural, functional, and spatial information, amino acid conservation, physicochemical variation, residue mobility, and thermodynamic stability) performed at Invitae indicates that this missense variant is expected to disrupt MYO7A protein function. This variant has not been reported in the literature in individuals affected with MYO7A-related conditions. This variant is not present in population databases (gnomAD no frequency). This sequence change replaces aspartic acid, which is acidic and polar, with valine, which is neutral and non-polar, at codon 944 of the MYO7A protein (p.Asp944Val).